The following is an entry in ClinVar:

NM_001184.4(ATR):c.7327A>G (p.Thr2443Ala)

Gene: ATR (ATR checkpoint kinase; minus strand). Cytogenetic location: 3q23.
Variant type: single nucleotide variant.
Coding change: c.7327A>G on transcript NM_001184.4 (MANE Select); coding-DNA position 7327, A replaced by G.
Protein change: p.Thr2443Ala; replaces threonine 2443 with alanine.
Molecular consequence: missense variant.
Genome position (GRCh38, 1-based): chr3:142,459,249, T>C on the plus strand (A>G on the coding strand, the complement: ATR is on the minus strand). VCF-style: chr3-142459249-T-C. GRCh37 (hg19) VCF-style: chr3-142178091-T-C.
Other names: c.7135A>G, p.Thr2379Ala (NM_001354579.2); c.7327A>G (NM_001184.3); short protein forms T2379A, T2443A.
Identifiers: ClinVar variation 1021308 (VCV001021308.9), dbSNP rs2070973168, ClinGen allele CA354796539.
Genomic context (GRCh38, chr3:142,459,249, plus strand): 5'-TTCAACCATAACAACGTATTATATTCTTGGTAACTTACCATGATGTAGGATCAGGGAATG[T>C]TCTCAGAAACCACTCATGAAAAATAGGAGGATGCCTGGGCAGGAGAAATTCTCGGAATAC-3'
Protein context (NP_001175.2, residues 2433-2453): PPIFHEWFLR[Thr2443Ala]FPDPTSWYSS

ClinVar aggregate classification (germline): Uncertain significance. Review status: criteria provided, multiple submitters, no conflicts (2 of 4 stars). 2 submissions from 2 submitters: Uncertain significance (2). Last evaluated 2024-10-19.

Conditions:
Inborn genetic diseases. Identifiers: MedGen C0950123, MeSH D030342.

Submissions (2):

Ambry Genetics
Classification: Uncertain significance for Inborn genetic diseases. Last evaluated: 2024-10-19. Review status: criteria provided, single submitter. Criteria: Ambry Variant Classification Scheme 2023. Collection method: clinical testing. Allele origin: germline.
Comment: The p.T2443A variant (also known as c.7327A>G), located in coding exon 43 of the ATR gene, results from an A to G substitution at nucleotide position 7327. The threonine at codon 2443 is replaced by alanine, an amino acid with similar properties. This amino acid position is conserved. In addition, the in silico prediction for this alteration is inconclusive. Based on the available evidence, the clinical significance of this variant remains unclear.

Labcorp Genetics (formerly Invitae), Labcorp
Classification: Uncertain significance. Last evaluated: 2020-10-20. Review status: criteria provided, single submitter. Criteria: Invitae Variant Classification Sherloc (09022015). Collection method: clinical testing. Allele origin: germline.
Comment: This variant is not present in population databases (ExAC no frequency). This sequence change replaces threonine with alanine at codon 2443 of the ATR protein (p.Thr2443Ala). The threonine residue is moderately conserved and there is a small physicochemical difference between threonine and alanine. This variant has not been reported in the literature in individuals with ATR-related conditions. In summary, the available evidence is currently insufficient to determine the role of this variant in disease. Therefore, it has been classified as a Variant of Uncertain Significance. Algorithms developed to predict the effect of missense changes on protein structure and function are either unavailable or do not agree on the potential impact of this missense change (SIFT: "Tolerated"; PolyPhen-2: "Possibly Damaging"; Align-GVGD: "Class C0").